The following is an entry in ClinVar:

ClinVar aggregate classification (germline): Uncertain significance (1 of 4 stars; one submission).

Allele frequency attached by ClinVar (database versions not stated): gnomAD exomes below 0.00001; TOPMed below 0.00001; gnomAD 0.00001; 1000 Genomes Project 30x 0.00016.
gnomAD v4.1: 5 of 1,551,078 alleles (0.00032%); highest among the groups gnomAD compares: East Asian, 0.0098%; no homozygotes.

Submission:

Labcorp Genetics (formerly Invitae), Labcorp
Classification: Uncertain significance. Last evaluated: 2022-02-05. Review status: criteria provided, single submitter. Criteria: Invitae Variant Classification Sherloc (09022015). Collection method: clinical testing. Allele origin: germline.
Comment: This sequence change replaces alanine, which is neutral and non-polar, with valine, which is neutral and non-polar, at codon 2808 of the EYS protein (p.Ala2808Val). This variant is present in population databases (no rsID available, gnomAD 0.04%). This variant has not been reported in the literature in individuals affected with EYS-related conditions. Algorithms developed to predict the effect of missense changes on protein structure and function output the following: SIFT: "Deleterious"; PolyPhen-2: "Benign"; Align-GVGD: "Class C0". The valine amino acid residue is found in multiple mammalian species, which suggests that this missense change does not adversely affect protein function. Algorithms developed to predict the effect of sequence changes on RNA splicing suggest that this variant may create or strengthen a splice site. In summary, the available evidence is currently insufficient to determine the role of this variant in disease. Therefore, it has been classified as a Variant of Uncertain Significance.

NM_001142800.2(EYS):c.8423C>T (p.Ala2808Val)

Genes: EYS (eyes shut homolog; minus strand), PHF3 (PHD finger protein 3; plus strand). Cytogenetic location: 6q12.
Variant type: single nucleotide variant.
Coding change: c.8423C>T on transcript NM_001142800.2 (MANE Select); coding-DNA position 8423, C replaced by T.
Protein change: p.Ala2808Val; replaces alanine 2808 with valine.
Molecular consequence: missense variant. On other transcripts: 3 prime UTR variant (5).
Genome position (GRCh38, 1-based): chr6:63,721,608, G>A on the plus strand (C>T on the coding strand, the complement: EYS is on the minus strand). VCF-style: chr6-63721608-G-A. GRCh37 (hg19) VCF-style: chr6-64431504-G-A.
Other names: c.*7900G>A (NM_001290259.2, NM_001370348.2, NM_001370349.2 and 2 more transcripts); c.8486C>T, p.Ala2829Val (NM_001292009.2); short protein forms A2808V, A2829V.
Identifiers: ClinVar variation 2190971 (VCV002190971.1), dbSNP rs1222969006, ClinGen allele CA364384902.